The following is an entry in ClinVar:

NM_000051.4(ATM):c.3270A>C (p.Ala1090=)

Gene: ATM (ATM serine/threonine kinase; plus strand). Cytogenetic location: 11q22.3.
Variant type: single nucleotide variant.
Coding change: c.3270A>C on transcript NM_000051.4 (MANE Select); coding-DNA position 3270, A replaced by C.
Protein change: p.Ala1090=; no amino-acid change (alanine 1090 retained).
Molecular consequence: synonymous variant.
Genome position (GRCh38, 1-based): chr11:108,272,838, A>C. VCF-style: chr11-108272838-A-C. GRCh37 (hg19) VCF-style: chr11-108143565-A-C.
Other names: c.3270A>C, p.Ala1090= (NM_001351834.2).
Identifiers: ClinVar variation 3254297 (VCV003254297.1), dbSNP rs997005308.

ClinVar aggregate classification (germline): Benign (1 of 4 stars; one submission).

Conditions:
Familial cancer of breast. Also called: BREAST CANCER, FAMILIAL; Hereditary breast cancer; hereditary breast carcinoma. Identifiers: Orphanet 227535, MedGen C0346153, MONDO:0016419, OMIM 114480. Disease mechanism: loss of function.

Submission:

Myriad Genetics, Inc.
Classification: Benign for Familial cancer of breast. Last evaluated: 2024-05-14. Review status: criteria provided, single submitter. Criteria: Myriad Autosomal Dominant, Autosomal Recessive and X-Linked Classification Criteria (2023). Collection method: clinical testing. Allele origin: unknown.
Comment: This variant is considered benign. This variant is a silent/synonymous amino acid change and it is not expected to impact splicing.